The following is an entry in ClinVar:

NM_001040142.2(SCN2A):c.3850-92C>T

Gene: SCN2A (sodium voltage-gated channel alpha subunit 2; plus strand). Cytogenetic location: 2q24.3.
Variant type: single nucleotide variant.
Coding change: c.3850-92C>T on transcript NM_001040142.2 (MANE Select); 92 bases into the intron before coding-DNA position 3850, C replaced by T.
Molecular consequence: intron variant.
Genome position (GRCh38, 1-based): chr2:165,373,133, C>T. VCF-style: chr2-165373133-C-T. GRCh37 (hg19) VCF-style: chr2-166229643-C-T.
Other names: c.3850-92C>T (NM_001040143.2, NM_001371246.1, NM_001371247.1 and 1 more transcripts).
Identifiers: ClinVar variation 675823 (VCV000675823.2), dbSNP rs142658371, ClinGen allele CA59736488.

ClinVar aggregate classification (germline): Likely benign. Review status: criteria provided, multiple submitters, no conflicts (2 of 4 stars). 2 submissions from 2 submitters: Likely benign (2). Last evaluated 2018-06-14.

Allele frequency attached by ClinVar (database versions not stated): gnomAD 0.00455 and 0.00480; TOPMed 0.00526; 1000 Genomes Project 0.00579; 1000 Genomes Project 30x 0.00609.
gnomAD v4.1: 1,391 of 1,387,090 alleles (0.1%); highest among the groups gnomAD compares: African/African-American, 1.6%; 5 homozygotes.

Submissions (2):

GeneDx
Classification: Likely benign. Last evaluated: 2018-06-14. Review status: criteria provided, single submitter. Criteria: GeneDx Variant Classification (06012015). Collection method: clinical testing. Allele origin: germline. Affected: yes.
Comment: This variant is considered likely benign or benign based on one or more of the following criteria: it is a conservative change, it occurs at a poorly conserved position in the protein, it is predicted to be benign by multiple in silico algorithms, and/or has population frequency not consistent with disease.

Breakthrough Genomics
Classification: Likely benign. Review status: criteria provided, single submitter. Criteria: ACMG Guidelines, 2015. Collection method: not provided. Allele origin: germline. Inheritance: Autosomal dominant inheritance. Affected: yes.